The following is an entry in ClinVar:

NM_000423.3(KRT2):c.1204G>A (p.Val402Met)

Gene: KRT2 (keratin 2; minus strand). Cytogenetic location: 12q13.13.
Variant type: single nucleotide variant.
Coding change: c.1204G>A on transcript NM_000423.3 (MANE Select); coding-DNA position 1204, G replaced by A.
Protein change: p.Val402Met; replaces valine 402 with methionine.
Molecular consequence: missense variant.
Genome position (GRCh38, 1-based): chr12:52,647,774, C>T on the plus strand (G>A on the coding strand, the complement: KRT2 is on the minus strand). VCF-style: chr12-52647774-C-T. GRCh37 (hg19) VCF-style: chr12-53041558-C-T.
Other names: short protein forms V402M.
Identifiers: ClinVar variation 309608 (VCV000309608.6), dbSNP rs756976713, ClinGen allele CA6585562.

ClinVar aggregate classification (germline): Likely benign. Review status: criteria provided, multiple submitters, no conflicts (2 of 4 stars). 2 submissions from 2 submitters: Likely benign (2). Last evaluated 2025-04-13.

Conditions:
Inborn genetic diseases. Identifiers: MedGen C0950123, MeSH D030342.
Ichthyosis bullosa of Siemens (IBS). Also called: Superficial epidermolytic ichthyosis. Identifiers: Orphanet 455, MedGen C0432306, MONDO:0007813, OMIM 146800.

Allele frequency attached by ClinVar (database versions not stated): ExAC 0.00003; gnomAD 0.00003; gnomAD exomes 0.00003; TOPMed 0.00003.

Submissions (2):

Ambry Genetics
Classification: Likely benign for Inborn genetic diseases. Last evaluated: 2025-04-13. Review status: criteria provided, single submitter. Criteria: Ambry Variant Classification Scheme 2023. Collection method: clinical testing. Allele origin: germline.

Illumina Laboratory Services, Illumina
Classification: Likely benign for Ichthyosis bullosa of Siemens. Last evaluated: 2018-01-13. Review status: criteria provided, single submitter. Criteria: ICSL Variant Classification Criteria 13 December 2019. Collection method: clinical testing. Allele origin: germline.
Comment: This variant was observed in the ICSL laboratory as part of a predisposition screen in an ostensibly healthy population. It had not been previously curated by ICSL or reported in the Human Gene Mutation Database (HGMD: prior to June 1st, 2018), and was therefore a candidate for classification through an automated scoring system. Utilizing variant allele frequency, disease prevalence and penetrance estimates, and inheritance mode, an automated score was calculated to assess if this variant is too frequent to cause the disease. Based on the score and internal cut-off values, a variant classified as likely benign is not then subjected to further curation. The score for this variant resulted in a classification of likely benign for this disease.